The following is an entry in ClinVar:

NM_000246.4(CIITA):c.965C>T (p.Pro322Leu)

Gene: CIITA (class II major histocompatibility complex transactivator; plus strand). Cytogenetic location: 16p13.13.
Variant type: single nucleotide variant.
Coding change: c.965C>T on transcript NM_000246.4 (MANE Select); coding-DNA position 965, C replaced by T.
Protein change: p.Pro322Leu; replaces proline 322 with leucine.
Molecular consequence: missense variant. On other transcripts: non-coding transcript variant (1).
Genome position (GRCh38, 1-based): chr16:10,904,771, C>T. VCF-style: chr16-10904771-C-T. GRCh37 (hg19) VCF-style: chr16-10998628-C-T.
Other names: c.968C>T, p.Pro323Leu (NM_001286402.1, NM_001379332.1); c.818C>T, p.Pro273Leu (NM_001286403.2, NM_001379331.1); c.821C>T, p.Pro274Leu (NM_001379330.1); c.965C>T, p.Pro322Leu (NM_001379333.1); c.896C>T, p.Pro299Leu (NM_001379334.1); short protein forms P273L, P274L, P299L, P322L, P323L.
Identifiers: ClinVar variation 991982 (VCV000991982.11), dbSNP rs74806537, ClinGen allele CA7899983.
Genomic context (GRCh38, chr16:10,904,771, plus strand): 5'-CCCTAAATCTGGCACCTGCTTCTCCATCTCCAGAGCACAAGACGTCCCCCACCCAATGCC[C>T]GGCAGCTGGAGAGGTCTCCAACAAGCTTCCAAAATGGCCTGGTGAGTGATGCGGGATCTC-3'
Protein context (NP_000237.2, residues 312-332): TEHKTSPTQC[Pro322Leu]AAGEVSNKLP

ClinVar aggregate classification (germline): Uncertain significance. Review status: criteria provided, multiple submitters, no conflicts (2 of 4 stars). 6 submissions from 6 submitters: Uncertain significance (5). 1 of the submissions does not count toward it. Last evaluated 2026-04-07.

Conditions:
Inborn genetic diseases. Identifiers: MedGen C0950123, MeSH D030342.
MHC class II deficiency. Also called: BLS, TYPE II; Bare lymphocyte syndrome 2. Identifiers: Orphanet 572, MedGen C5447452, MONDO:0008855.
Rheumatoid arthritis (RA). Also called: RHEUMATOID ARTHRITIS, SUSCEPTIBILITY TO. Identifiers: MedGen C0003873, MONDO:0008383, OMIM 180300, HP:0001370.
MHC class II deficiency 1 (MHC2D1). Also called: Bare lymphocyte syndrome type 2, complementation group A; BARE LYMPHOCYTE SYNDROME, TYPE II, COMPLEMENTATION GROUP A; SCID, HLA CLASS II-NEGATIVE. Identifiers: MedGen C1859534, MONDO:0971005, OMIM 209920.

Allele frequency attached by ClinVar (database versions not stated): ExAC 0.00009; 1000 Genomes Project 30x 0.00016; TOPMed 0.00017; 1000 Genomes Project 0.00020; ESP Exome Variant Server 0.00038.
gnomAD v4.1: 76 of 1,614,098 alleles (0.0047%); highest among the groups gnomAD compares: African/African-American, 0.021%; no homozygotes.

Submissions (6):

Women's Health and Genetics/Laboratory Corporation of America, LabCorp
Classification: Uncertain significance. Last evaluated: 2026-04-07. Review status: criteria provided, single submitter. Criteria: LabCorp Variant Classification Summary - May 2015. Collection method: clinical testing. Allele origin: germline.

Ambry Genetics
Classification: Uncertain significance for Inborn genetic diseases. Last evaluated: 2025-12-02. Review status: criteria provided, single submitter. Criteria: Ambry Variant Classification Scheme 2023. Collection method: clinical testing. Allele origin: germline.

Labcorp Genetics (formerly Invitae), Labcorp
Classification: Uncertain significance for MHC class II deficiency. Last evaluated: 2022-03-14. Review status: criteria provided, single submitter. Criteria: Invitae Variant Classification Sherloc (09022015). Collection method: clinical testing. Allele origin: germline.
Comment: This sequence change replaces proline, which is neutral and non-polar, with leucine, which is neutral and non-polar, at codon 322 of the CIITA protein (p.Pro322Leu). This variant is present in population databases (rs74806537, gnomAD 0.03%). This variant has not been reported in the literature in individuals affected with CIITA-related conditions. ClinVar contains an entry for this variant (Variation ID: 991982). Algorithms developed to predict the effect of missense changes on protein structure and function output the following: SIFT: "Tolerated"; PolyPhen-2: "Benign"; Align-GVGD: "Class C0". The leucine amino acid residue is found in multiple mammalian species, which suggests that this missense change does not adversely affect protein function. In summary, the available evidence is currently insufficient to determine the role of this variant in disease. Therefore, it has been classified as a Variant of Uncertain Significance.

Fulgent Genetics
Classification: Uncertain significance for Rheumatoid arthritis; MHC class II deficiency 1. Last evaluated: 2022-01-18. Review status: criteria provided, single submitter. Criteria: ACMG Guidelines, 2015. Collection method: clinical testing. Allele origin: unknown.

Center for Genomics, Ann and Robert H. Lurie Children's Hospital of Chicago
Classification: Uncertain significance for MHC class II deficiency 1; Rheumatoid arthritis. Review status: criteria provided, single submitter. Criteria: ACMG Guidelines, 2015. Collection method: clinical testing. Allele origin: germline.
Comment: CIITA NM_000246.3 exon 10 p.Pro322Leu (c.965C>T):This variant has not been reported in the literature but is present in 0.03% (5/15276) of Latino alleles in the Genome Aggregation Database. This variant is present in ClinVar (Variation ID:991982). This variant amino acid Leucine (Leu) is present in 4 species (Ferret, Panda, Flying Fox, Megabat) and is not well conserved among evolutionarily distant species; this suggests that this variant may not impact the protein. Additional computational prediction tools do not suggest an impact. In summary, data on this variant is insufficient for disease classification. Therefore, the clinical significance of this variant is uncertain

Natera, Inc.
Classification: Likely benign for Bare lymphocyte syndrome type II. Last evaluated: 2020-04-24. Review status: no assertion criteria provided. Collection method: clinical testing. Allele origin: germline. Not counted in ClinVar's aggregate classification.